The following is an entry in ClinVar:

ClinVar aggregate classification (germline): Uncertain significance (1 of 4 stars; one submission).

Conditions:
Charcot-Marie-Tooth disease type 4. Also called: Charcot-Marie-Tooth disease, type IV; Charcot-Marie-Tooth, Type 4. Identifiers: Orphanet 64749, MedGen C4082197, MONDO:0018995.

Allele frequency attached by ClinVar (database versions not stated): TOPMed 0.00001.

Submission:

Labcorp Genetics (formerly Invitae), Labcorp
Classification: Uncertain significance for Charcot-Marie-Tooth disease type 4. Last evaluated: 2021-05-30. Review status: criteria provided, single submitter. Criteria: Invitae Variant Classification Sherloc (09022015). Collection method: clinical testing. Allele origin: germline.
Comment: In summary, the available evidence is currently insufficient to determine the role of this variant in disease. Therefore, it has been classified as a Variant of Uncertain Significance. Advanced modeling of protein sequence and biophysical properties (such as structural, functional, and spatial information, amino acid conservation, physicochemical variation, residue mobility, and thermodynamic stability) performed at Invitae indicates that this missense variant is not expected to disrupt SH3TC2 protein function. This variant has not been reported in the literature in individuals with SH3TC2-related conditions. This variant is not present in population databases (ExAC no frequency). This sequence change replaces serine with alanine at codon 425 of the SH3TC2 protein (p.Ser425Ala). The serine residue is highly conserved and there is a moderate physicochemical difference between serine and alanine.

NM_024577.4(SH3TC2):c.1273T>G (p.Ser425Ala)

Gene: SH3TC2 (SH3 domain and tetratricopeptide repeats 2; minus strand). Cytogenetic location: 5q32.
Variant type: single nucleotide variant.
Coding change: c.1273T>G on transcript NM_024577.4 (MANE Select); coding-DNA position 1273, T replaced by G.
Protein change: p.Ser425Ala; replaces serine 425 with alanine.
Molecular consequence: missense variant.
Genome position (GRCh38, 1-based): chr5:149,028,459, A>C on the plus strand (T>G on the coding strand, the complement: SH3TC2 is on the minus strand). VCF-style: chr5-149028459-A-C. GRCh37 (hg19) VCF-style: chr5-148408022-A-C.
Other names: short protein forms S425A.
Identifiers: ClinVar variation 1389442 (VCV001389442.8), dbSNP rs1469647354, ClinGen allele CA361669332.